The following is an entry in ClinVar:

NM_000059.4(BRCA2):c.9118-3_9124del

Gene: BRCA2 (BRCA2 DNA repair associated; plus strand). Cytogenetic location: 13q13.1.
Variant type: Deletion.
Coding change: c.9118-3_9124del on transcript NM_000059.4 (MANE Select); 3 bases into the intron before coding-DNA position 9118 through coding-DNA position 9124, 10 bases deleted (TAGGTTTCAG; older notation c.9118-3_9124delTAGGTTTCAG).
Molecular consequence: splice acceptor variant.
Genome position (GRCh38, 1-based): chr13:32,380,004-32,380,013, TAGGTTTCAG deleted; deleting any 10 consecutive bases within chr13:32,380,003-32,380,013 gives the same sequence; the c. name uses the placement nearest the transcript's 3' end. VCF-style (leftmost placement, unchanged base first): chr13-32380002-TGTAGGTTTCA-T. GRCh37 (hg19) VCF-style: chr13-32954139-TGTAGGTTTCA-T.
Other names: c.9067-3_9073del (NM_001406720.1); c.9022-3_9028del (NM_001406719.1); c.4186-3_4192del (NM_001406721.1); c.2701-3_2707del (NM_001406722.1); c.9118-3_9124del10 (NM_000059.3); c.9118-3_9124del (NM_000059.3).
Identifiers: ClinVar variation 2764541 (VCV002764541.5), dbSNP rs2548556028, ClinGen allele CA2697551700.

ClinVar aggregate classification (germline): Uncertain significance. Review status: criteria provided, multiple submitters, no conflicts (2 of 4 stars). 3 submissions from 3 submitters: Uncertain significance (3). Last evaluated 2025-11-25.

Conditions:
Hereditary cancer-predisposing syndrome. Also called: Hereditary neoplastic syndrome; Neoplastic Syndromes, Hereditary; Hereditary Cancer Syndrome; Tumor predisposition. Identifiers: Orphanet 140162, MedGen C0027672, MeSH D009386, MONDO:0015356.
Hereditary breast ovarian cancer syndrome. Also called: Hereditary breast and ovarian cancer syndrome; Hereditary breast and/or ovarian cancer syndrome; BRCA1- and BRCA2-Associated Hereditary Breast and Ovarian Cancer; Hereditary breast and ovarian cancer; Breast and ovarian cancer; Hereditary breast and ovarian cancer syndrome (HBOC). Identifiers: Orphanet 145, MedGen C0677776, MeSH D061325, MONDO:0003582. Disease mechanism: loss of function.

Submissions (3):

Ambry Genetics
Classification: Uncertain significance for Hereditary cancer-predisposing syndrome. Last evaluated: 2025-11-25. Review status: criteria provided, single submitter. Criteria: Ambry Variant Classification Scheme 2023. Collection method: clinical testing. Allele origin: germline.
Comment: The c.9118-3_9124del10 variant results from a deletion of 10 nucleotides between positions c.9118-3 and c.9124 and involves the canonical splice acceptor site before coding exon 23 of the BRCA2 gene. Alterations that disrupt the canonical splice site are expected to result in aberrant splicing. The canonical splice acceptor site is well conserved in available vertebrate species. In silico splice site analysis predicts that this alteration will weaken the native splice acceptor site and will result in the creation or strengthening of a novel splice acceptor site. A resulting transcript is predicted to be in-frame and is not expected to trigger nonsense-mediated mRNA decay; although, direct evidence is insufficient (Ambry internal data). Based on the available evidence, the clinical significance of this variant remains unclear.

Quest Diagnostics Nichols Institute San Juan Capistrano
Classification: Uncertain significance. Last evaluated: 2025-10-21. Review status: criteria provided, single submitter. Criteria: Quest Diagnostics criteria. Collection method: clinical testing. Allele origin: unknown.
Comment: The BRCA2 c.9118-3_9124del variant disrupts a canonical splice-acceptor site and is predicted to interfere with normal BRCA2 mRNA splicing; however, analysis of this variant using software algorithms for the prediction of the effect of nucleotide changes on BRCA2 mRNA splicing yielded predictions that this variant may result in the gain of a cryptic splice site without altering the reading frame. This variant has not been reported in individuals with BRCA2-related conditions in the published literature. This variant has not been reported in large, multi-ethnic general populations (Genome Aggregation Database). Based on the available information, we are unable to determine the clinical significance of this variant.

Labcorp Genetics (formerly Invitae), Labcorp
Classification: Uncertain significance for Hereditary breast ovarian cancer syndrome. Last evaluated: 2023-10-27. Review status: criteria provided, single submitter. Criteria: Invitae Variant Classification Sherloc (09022015). Collection method: clinical testing. Allele origin: germline.
Comment: This variant results in the deletion of part of exon 24 (c.9118-3_9124del) of the BRCA2 gene. RNA analysis indicates that this variant induces altered splicing and likely results in the loss of 7 amino acid residue(s), but is expected to preserve the integrity of the reading-frame. This variant is not present in population databases (gnomAD no frequency). This variant has not been reported in the literature in individuals affected with BRCA2-related conditions. Studies have shown that this variant results in the activation of a cryptic splice site in exon 24 (Invitae). In summary, the available evidence is currently insufficient to determine the role of this variant in disease. Therefore, it has been classified as a Variant of Uncertain Significance.